The following is an entry in ClinVar:

ClinVar aggregate classification (germline): Uncertain significance. Review status: criteria provided, multiple submitters, no conflicts (2 of 4 stars). 2 submissions from 2 submitters: Uncertain significance (2). Last evaluated 2022-08-21.

Conditions:
Ehlers-Danlos syndrome, type 4 (EDSVASC). Also called: Ehlers-Danlos syndrome vascular type; Ehlers Danlos syndrome, ecchymotic type; Ehlers Danlos syndrome, arterial type; Ehlers Danlos syndrome, Sack-Barabas type; Ehlers-Danlos Syndrome Type IV. Identifiers: Orphanet 286, MedGen C0268338, MONDO:0017314, OMIM 130050.

Submissions (2):

Labcorp Genetics (formerly Invitae), Labcorp
Classification: Uncertain significance for Ehlers-Danlos syndrome, type 4. Last evaluated: 2022-08-21. Review status: criteria provided, single submitter. Criteria: Invitae Variant Classification Sherloc (09022015). Collection method: clinical testing. Allele origin: germline.
Comment: In summary, the available evidence is currently insufficient to determine the role of this variant in disease. Therefore, it has been classified as a Variant of Uncertain Significance. Advanced modeling of protein sequence and biophysical properties (such as structural, functional, and spatial information, amino acid conservation, physicochemical variation, residue mobility, and thermodynamic stability) performed at Invitae indicates that this missense variant is not expected to disrupt COL3A1 protein function. ClinVar contains an entry for this variant (Variation ID: 1330657). This variant has not been reported in the literature in individuals affected with COL3A1-related conditions. This variant is not present in population databases (gnomAD no frequency). This sequence change replaces glutamine, which is neutral and polar, with histidine, which is basic and polar, at codon 37 of the COL3A1 protein (p.Gln37His).

ARUP Laboratories, Molecular Genetics and Genomics, ARUP Laboratories
Classification: Uncertain significance. Last evaluated: 2021-10-25. Review status: criteria provided, single submitter. Criteria: ARUP Molecular Germline Variant Investigation Process 2021. Collection method: clinical testing. Allele origin: germline.
Comment: The COL3A1 c.111G>C; p.Gln37His variant, to our knowledge, is not reported in the medical literature or gene-specific databases. This variant is also absent from general population databases (Exome Variant Server, Genome Aggregation Database), indicating it is not a common polymorphism. The glutamine at codon 37 is highly conserved, but computational analyses are uncertain whether this variant is neutral or deleterious (REVEL: 0.401). Due to limited information, the clinical significance of the p.Gln37His variant is uncertain at this time.

NM_000090.4(COL3A1):c.111G>C (p.Gln37His)

Gene: COL3A1 (collagen type III alpha 1 chain; plus strand). Cytogenetic location: 2q32.2.
Variant type: single nucleotide variant.
Coding change: c.111G>C on transcript NM_000090.4 (MANE Select); coding-DNA position 111, G replaced by C.
Protein change: p.Gln37His; replaces glutamine 37 with histidine.
Molecular consequence: missense variant.
Genome position (GRCh38, 1-based): chr2:188,984,791, G>C. VCF-style: chr2-188984791-G-C. GRCh37 (hg19) VCF-style: chr2-189849517-G-C.
Other names: short protein forms Q37H.
Identifiers: ClinVar variation 1330657 (VCV001330657.49), dbSNP rs2153501346, ClinGen allele CA349846874.